The following is an entry in ClinVar:

ClinVar aggregate classification (germline): Uncertain significance (1 of 4 stars; one submission).

gnomAD v4.1: 3 of 1,608,688 alleles (0.00019%); highest among the groups gnomAD compares: Admixed American, 0.0033%; no homozygotes.

Submission:

Labcorp Genetics (formerly Invitae), Labcorp
Classification: Uncertain significance. Last evaluated: 2022-08-24. Review status: criteria provided, single submitter. Criteria: Invitae Variant Classification Sherloc (09022015). Collection method: clinical testing. Allele origin: germline.
Comment: In summary, the available evidence is currently insufficient to determine the role of this variant in disease. Therefore, it has been classified as a Variant of Uncertain Significance. Experimental studies and prediction algorithms are not available or were not evaluated, and the functional significance of this variant is currently unknown. This variant has not been reported in the literature in individuals affected with TSPYL1-related conditions. This variant is present in population databases (no rsID available, gnomAD 0.003%). This sequence change creates a premature translational stop signal (p.Glu194*) in the TSPYL1 gene. While this is not anticipated to result in nonsense mediated decay, it is expected to disrupt the last 244 amino acid(s) of the TSPYL1 protein.

NM_003309.4(TSPYL1):c.580G>T (p.Glu194Ter)

Genes: DSE (dermatan sulfate epimerase; plus strand), TSPYL1 (TSPY like 1; minus strand). Cytogenetic location: 6q22.1.
Variant type: single nucleotide variant.
Coding change: c.580G>T on transcript NM_003309.4 (MANE Select); coding-DNA position 580, G replaced by T.
Protein change: p.Glu194Ter; replaces glutamic acid 194 with a stop codon.
Molecular consequence: nonsense. On other transcripts: intron variant (6).
Genome position (GRCh38, 1-based): chr6:116,279,251, C>A on the plus strand (G>T on the coding strand, the complement: TSPYL1 is on the minus strand). VCF-style: chr6-116279251-C-A. GRCh37 (hg19) VCF-style: chr6-116600414-C-A.
Other names: c.-954+20284C>A (NM_001374520.1); c.-54+20284C>A (NM_001322937.2, NM_001322938.2, NM_001374522.1); c.-641+20284C>A (NM_001374521.1); c.-611+20284C>A (NM_001322940.2); short protein forms E194*.
Identifiers: ClinVar variation 2026869 (VCV002026869.4), dbSNP rs1297111092, ClinGen allele CA365532579.
Genomic context (GRCh38, chr6:116,279,251, plus strand): 5'-CCTCCTCCTCCAATCTATCCTCCTCCGCCACTTCTATTTCTTCACCTTCTGGCGGCTGCT[C>A]CTCTACCTCCATCTGCTCCTCCATTACCTCCTTCTCCGCCAGGCCTTCCTTCACCACCTC-3'